The following is an entry in ClinVar:

ClinVar aggregate classification (germline): Pathogenic/Likely pathogenic. Review status: criteria provided, multiple submitters, no conflicts (2 of 4 stars). 2 submissions from 2 submitters: Pathogenic (1); Likely pathogenic (1). Last evaluated 2026-07-02.

Conditions:
Hereditary cancer-predisposing syndrome. Also called: Hereditary Cancer Syndrome; Hereditary neoplastic syndrome; Neoplastic Syndromes, Hereditary; Tumor predisposition. Identifiers: Orphanet 140162, MedGen C0027672, MeSH D009386, MONDO:0015356.

Submissions (2):

Ambry Genetics
Classification: Likely pathogenic for Hereditary cancer-predisposing syndrome. Last evaluated: 2026-07-02. Review status: criteria provided, single submitter. Criteria: Ambry Variant Classification Scheme 2023. Collection method: clinical testing. Allele origin: germline.
Comment: The c.3754dupT variant, located in coding exon 15 of the APC gene, results from a duplication of T at nucleotide position 3754, causing a translational frameshift with a predicted alternate stop codon (p.S1252Ffs*4). This variant occurs at the 3' terminus of the gene, is not expected to trigger nonsense-mediated mRNA decay, and impacts the last 56% of the protein. However, premature stop codons are typically deleterious in nature and a significant portion of the protein is affected and the impacted region is critical for protein function (Ambry internal data). This variant was reported in individual(s) with features consistent with APC-related familial adenomatous polyposis (Kohoutov&aacute; M et al. Hum Mutat, 2002 Apr;19:460-1). This variant is considered to be rare based on population cohorts in the Genome Aggregation Database (gnomAD). Based on the majority of available evidence to date, this variant is likely to be pathogenic.

Color Diagnostics, LLC DBA Color Health
Classification: Pathogenic for Hereditary cancer-predisposing syndrome. Last evaluated: 2024-07-01. Review status: criteria provided, single submitter. Criteria: ACMG Guidelines, 2015. Collection method: clinical testing. Allele origin: germline.
Comment: This variant inserts 1 nucleotide in exon 16 of the APC gene, creating a frameshift and premature translation stop signal in the last coding exon. This variant is predicted to escape nonsense-mediated decay and be expressed as a truncated protein. Although functional studies have not been reported, this variant is expected to disrupt multiple important functional domains of the APC protein including the beta-catenin binding domain, SAMP repeats, the basic domain, and the EB1 and DLG binding domains (PMID: 11257105). The variant has been reported de novo in an individual affected with numerous polyposis and Vater's P. adenoma (PMID: 11933206), as well as a family affected with familial adenomatous polyposis (FAP) or multiple adenomas (PMID: 15024739). This variant has not been identified in the general population by the Genome Aggregation Database (gnomAD). Loss of APC function is a known mechanism of disease. Based on the available evidence, this variant is classified as Pathogenic.

Literature cited by the submitters: PubMed 11933206 (cited by Ambry Genetics and Color Diagnostics, LLC DBA Color Health); PubMed 11257105 (cited by Color Diagnostics, LLC DBA Color Health); PubMed 15024739 (cited by Color Diagnostics, LLC DBA Color Health).

NM_000038.6(APC):c.3754dup (p.Ser1252fs)

Gene: APC (APC regulator of Wnt signaling pathway; plus strand). Cytogenetic location: 5q22.2.
Variant type: Duplication.
Coding change: c.3754dup on transcript NM_000038.6 (MANE Select); coding-DNA position 3754, one base duplicated (T; older notation c.3754dupT).
Protein change: p.Ser1252fs; shifts the reading frame from serine 1252.
Molecular consequence: frameshift variant. On other transcripts: non-coding transcript variant (2).
Genome position (GRCh38, 1-based): chr5:112,839,348, T duplicated; the last of 3 consecutive T bases (chr5:112,839,346-112,839,348); duplicating any one gives the same sequence. VCF-style (leftmost placement, unchanged base first): chr5-112839345-G-GT. GRCh37 (hg19) VCF-style: chr5-112175042-G-GT.
Other names: c.3754dup, p.Ser1252fs (NM_001127510.3, NM_001354895.2, NM_001407450.1); c.3700dup, p.Ser1234fs (NM_001127511.3); c.3808dup, p.Ser1270fs (NM_001354896.2, NM_001407447.1, NM_001407448.1 and 1 more transcripts); c.3784dup, p.Ser1262fs (NM_001354897.2); c.3679dup, p.Ser1227fs (NM_001354898.2); c.3670dup, p.Ser1224fs (NM_001354899.2); c.3631dup, p.Ser1211fs (NM_001354900.2); c.3577dup, p.Ser1193fs (NM_001354901.2, NM_001407453.1); and 12 more; short protein forms S1092fs, S1123fs, S1126fs, S1151fs, S1161fs, S1169fs, S1193fs, S1211fs.
Identifiers: ClinVar variation 3893969 (VCV003893969.2).